The following is an entry in ClinVar:

ClinVar aggregate classification (germline): Likely benign. Review status: criteria provided, multiple submitters, no conflicts (2 of 4 stars). 4 submissions from 4 submitters: Likely benign (3). 1 of the submissions does not count toward it. Last evaluated 2025-12-01.

Conditions:
NBEA-related disorder. Also called: NBEA-related condition.

Allele frequency attached by ClinVar (database versions not stated): TOPMed 0.00006; gnomAD 0.00008; ExAC 0.00012; gnomAD exomes 0.00020; ESP Exome Variant Server 0.00025.
gnomAD v4.1: 290 of 1,607,276 alleles (0.018%); highest among the groups gnomAD compares: Non-Finnish European, 0.024%; no homozygotes.

Submissions (4):

CeGaT Center for Human Genetics Tuebingen
Classification: Likely benign. Last evaluated: 2025-12-01. Review status: criteria provided, single submitter. Criteria: CeGaT Center For Human Genetics Tuebingen Variant Classification Criteria Version 2. Collection method: clinical testing. Allele origin: germline. Affected: yes. Observed: 1 variant allele.
Comment: NBEA: BP4, BP7

Mayo Clinic Laboratories, Mayo Clinic
Classification: Likely benign. Last evaluated: 2025-07-16. Review status: criteria provided, single submitter. Criteria: ACMG Guidelines, 2015. Collection method: clinical testing. Allele origin: germline. Observed: 1 variant allele.
Comment: BS1_supporting, BP4, BP7

Blueprint Genetics
Classification: Likely benign. Last evaluated: 2022-02-28. Review status: criteria provided, single submitter. Criteria: ACMG Guidelines, 2015. Collection method: clinical testing. Allele origin: germline.

PreventionGenetics, part of Exact Sciences
Classification: Likely benign for NBEA-related condition. Last evaluated: 2019-06-11. Review status: no assertion criteria provided. Collection method: clinical testing. Allele origin: germline. Not counted in ClinVar's aggregate classification.
Comment: This variant is classified as likely benign based on ACMG/AMP sequence variant interpretation guidelines (Richards et al. 2015 PMID: 25741868, with internal and published modifications).

NM_001385012.1(NBEA):c.3681A>G (p.Ser1227=)

Gene: NBEA (neurobeachin; plus strand). Cytogenetic location: 13q13.3.
Variant type: single nucleotide variant.
Coding change: c.3681A>G on transcript NM_001385012.1 (MANE Select); coding-DNA position 3681, A replaced by G.
Protein change: p.Ser1227=; no amino-acid change (serine 1227 retained).
Molecular consequence: synonymous variant.
Genome position (GRCh38, 1-based): chr13:35,159,852, A>G. VCF-style: chr13-35159852-A-G. GRCh37 (hg19) VCF-style: chr13-35733989-A-G.
Other names: p.Ser1227=; c.3681A>G, p.Ser1227= (NM_001379245.1, NM_015678.5).
Identifiers: ClinVar variation 3033765 (VCV003033765.9), dbSNP rs41292195, ClinGen allele CA6946672.